The following is an entry in ClinVar:

NM_020919.4(ALS2):c.1964G>A (p.Gly655Asp)

Gene: ALS2 (alsin Rho guanine nucleotide exchange factor ALS2; minus strand). Cytogenetic location: 2q33.1.
Variant type: single nucleotide variant.
Coding change: c.1964G>A on transcript NM_020919.4 (MANE Select); coding-DNA position 1964, G replaced by A.
Protein change: p.Gly655Asp; replaces glycine 655 with aspartic acid.
Molecular consequence: missense variant.
Genome position (GRCh38, 1-based): chr2:201,746,600, C>T on the plus strand (G>A on the coding strand, the complement: ALS2 is on the minus strand). VCF-style: chr2-201746600-C-T. GRCh37 (hg19) VCF-style: chr2-202611323-C-T.
Other names: short protein forms G655D.
Identifiers: ClinVar variation 950876 (VCV000950876.9), dbSNP rs759573942, ClinGen allele CA2058317.

ClinVar aggregate classification (germline): Uncertain significance (1 of 4 stars; one submission).

Conditions:
Infantile-onset ascending hereditary spastic paralysis (IAHSP). Also called: Autosomal Recessive Juvenile Amyotrophic Lateral Sclerosis; Infantile-Onset Ascending Hereditary Spastic Paralysis (IAHSP). Identifiers: Orphanet 293168, MedGen C2931441, MONDO:0011797, OMIM 607225. Disease mechanism: loss of function.

Allele frequency attached by ClinVar (database versions not stated): gnomAD exomes below 0.00001 and 0.00004; gnomAD 0.00001; ExAC 0.00002; TOPMed 0.00002.
gnomAD v4.1: 8 of 1,614,078 alleles (0.0005%); highest among the groups gnomAD compares: East Asian, 0.011%; no homozygotes.

Submission:

Labcorp Genetics (formerly Invitae), Labcorp
Classification: Uncertain significance for Infantile-onset ascending hereditary spastic paralysis. Last evaluated: 2024-04-29. Review status: criteria provided, single submitter. Criteria: Invitae Variant Classification Sherloc (09022015). Collection method: clinical testing. Allele origin: germline.
Comment: This sequence change replaces glycine, which is neutral and non-polar, with aspartic acid, which is acidic and polar, at codon 655 of the ALS2 protein (p.Gly655Asp). This variant is present in population databases (rs759573942, gnomAD 0.05%). This variant has not been reported in the literature in individuals affected with ALS2-related conditions. ClinVar contains an entry for this variant (Variation ID: 950876). Advanced modeling of protein sequence and biophysical properties (such as structural, functional, and spatial information, amino acid conservation, physicochemical variation, residue mobility, and thermodynamic stability) performed at Invitae indicates that this missense variant is not expected to disrupt ALS2 protein function with a negative predictive value of 80%. In summary, the available evidence is currently insufficient to determine the role of this variant in disease. Therefore, it has been classified as a Variant of Uncertain Significance.